The following is an entry in ClinVar:

NM_001372.4(DNAH9):c.5125delinsGGTCAAAA (p.Gln1709fs)

Gene: DNAH9 (dynein axonemal heavy chain 9; plus strand). Cytogenetic location: 17p12.
Variant type: Indel.
Coding change: c.5125delinsGGTCAAAA on transcript NM_001372.4 (MANE Select); coding-DNA position 5125, C replaced by GGTCAAAA.
Protein change: p.Gln1709fs; shifts the reading frame from glutamine 1709.
Molecular consequence: frameshift variant.
Genome position (GRCh38, 1-based): chr17:11,701,221, C replaced by GGTCAAAA. VCF-style: chr17-11701221-C-GGTCAAAA. GRCh37 (hg19) VCF-style: chr17-11604538-C-GGTCAAAA.
Other names: short protein forms Q1709fs.
Identifiers: ClinVar variation 4845678 (VCV004845678.1).

ClinVar aggregate classification (germline): Likely pathogenic (1 of 4 stars; one submission).

Conditions:
Ciliary dyskinesia, primary, 40. Also called: CILIARY DYSKINESIA, PRIMARY, 40, WITH OR WITHOUT SITUS INVERSUS. Identifiers: MedGen C4749028, MONDO:0032664, OMIM 618300.

Submission:

First Genomix Gene Laboratory, Genetic Diagnostics Department
Classification: Likely pathogenic for Ciliary dyskinesia, primary, 40. Last evaluated: 2025-01-13. Review status: criteria provided, single submitter. Criteria: ACMG Guidelines, 2015. Collection method: clinical testing. Allele origin: germline. Inheritance: Autosomal recessive inheritance. Affected: no. Observed: 1 variant allele.